The following is an entry in ClinVar:

ClinVar aggregate classification (germline): Likely pathogenic (1 of 4 stars; one submission).

Allele frequency attached by ClinVar (database versions not stated): gnomAD exomes below 0.00001; gnomAD 0.00001; TOPMed 0.00001; ExAC 0.00002.
gnomAD v4.1: 7 of 1,611,238 alleles (0.00043%); highest among the groups gnomAD compares: South Asian, 0.0066%; no homozygotes.

Submission:

Labcorp Genetics (formerly Invitae), Labcorp
Classification: Likely pathogenic. Last evaluated: 2023-10-04. Review status: criteria provided, single submitter. Criteria: Invitae Variant Classification Sherloc (09022015). Collection method: clinical testing. Allele origin: germline.
Comment: This sequence change affects an acceptor splice site in intron 2 of the FMO3 gene. It is expected to disrupt RNA splicing. Variants that disrupt the donor or acceptor splice site typically lead to a loss of protein function (PMID: 16199547), and loss-of-function variants in FMO3 are known to be pathogenic (PMID: 20301282). This variant is present in population databases (rs760256450, gnomAD 0.01%). This variant has not been reported in the literature in individuals affected with FMO3-related conditions. In summary, the currently available evidence indicates that the variant is pathogenic, but additional data are needed to prove that conclusively. Therefore, this variant has been classified as Likely Pathogenic.

Literature cited by the submitters: PubMed 16199547; PubMed 20301282.

NM_001002294.3(FMO3):c.133-2A>G

Gene: FMO3 (flavin containing dimethylaniline monoxygenase 3; plus strand). Cytogenetic location: 1q24.3.
Variant type: single nucleotide variant.
Coding change: c.133-2A>G on transcript NM_001002294.3 (MANE Select); the canonical splice acceptor site of the intron before coding-DNA position 133, A replaced by G.
Molecular consequence: splice acceptor variant. On other transcripts: intron variant (1).
Genome position (GRCh38, 1-based): chr1:171,103,783, A>G. VCF-style: chr1-171103783-A-G. GRCh37 (hg19) VCF-style: chr1-171072924-A-G.
Other names: c.133-3892A>G (NM_001319174.2); c.73-2A>G (NM_001319173.2); c.133-2A>G (NM_006894.6).
Identifiers: ClinVar variation 2822685 (VCV002822685.3), dbSNP rs760256450, ClinGen allele CA1240473.